The following is an entry in ClinVar:

ClinVar aggregate classification (germline): Uncertain significance (1 of 4 stars; one submission).

Submission:

GeneDx
Classification: Uncertain significance. Last evaluated: 2025-07-09. Review status: criteria provided, single submitter. Criteria: GeneDx Variant Classification Process June 2021. Collection method: clinical testing. Allele origin: germline. Affected: yes.
Comment: Canonical splice variant in a region of the gene where loss-of-function has not been definitively established as a disease mechanism (PMID: 32599522 ); Not observed at significant frequency in large population cohorts (gnomAD); Has not been previously published as pathogenic or benign to our knowledge

NM_012309.5(SHANK2):c.1663+1G>A

Gene: SHANK2 (SH3 and multiple ankyrin repeat domains 2; minus strand). Cytogenetic location: 11q13.4.
Variant type: single nucleotide variant.
Coding change: c.1663+1G>A on transcript NM_012309.5 (MANE Select); the canonical splice donor site of the intron after coding-DNA position 1663, G replaced by A.
Molecular consequence: splice donor variant.
Genome position (GRCh38, 1-based): chr11:70,807,001, C>T on the plus strand (G>A on the coding strand, the complement: SHANK2 is on the minus strand). VCF-style: chr11-70807001-C-T. GRCh37 (hg19) VCF-style: chr11-70653106-C-T.
Other names: c.526+1G>A (NM_001379226.1).
Identifiers: ClinVar variation 3378384 (VCV003378384.2).